The following is an entry in ClinVar:

NM_001009944.3(PKD1):c.12334_12335insGG (p.Ala4112fs)

Gene: PKD1 (polycystin 1, transient receptor potential channel interacting; minus strand). Cytogenetic location: 16p13.3.
Variant type: Insertion.
Coding change: c.12334_12335insGG on transcript NM_001009944.3 (MANE Select); coding-DNA positions 12334 to 12335, GG inserted.
Protein change: p.Ala4112fs; shifts the reading frame from alanine 4112.
Molecular consequence: frameshift variant.
Genome position: GRCh38 VCF-style: chr16-2090394-G-GCC. GRCh37 (hg19) VCF-style: chr16-2140395-G-GCC.
Other names: c.12331_12332insGG, p.Ala4111fs (NM_000296.4); c.12334_12335insGG (NM_001009944.2); short protein forms A4111fs, A4112fs.
Identifiers: ClinVar variation 2506235 (VCV002506235.1), dbSNP rs2522733776, ClinGen allele CA2580612736.
Genomic context (GRCh38, chr16:2,090,394, plus strand): 5'-AACTCCACCATCTCGTAGTCCTGGGGCTCCCAGGCCGGCCGGTACAGCTCTCCACGCAAG[G>GCC]CGTGGTAGCGCCAGCGGAGAATAACAGCCCCCAGCCGTAGGGCGCCCCACAGCCGCAGTG-3'

ClinVar aggregate classification (germline): Pathogenic (1 of 4 stars; one submission).

Conditions:
Polycystic kidney disease, adult type (PKD1). Also called: Polycystic Kidney Disease 1, Autosomal Dominant; Polycystic kidney disease 1; Polycystic kidney disease 1, severe; Polycystic Kidney, Autosomal Dominant; POLYCYSTIC KIDNEY DISEASE, ADULT, TYPE I; POLYCYSTIC KIDNEY DISEASE 1 WITH OR WITHOUT POLYCYSTIC LIVER DISEASE. Identifiers: MedGen C3149841, MONDO:0008263, OMIM 173900.

Submission:

Women's Health and Genetics/Laboratory Corporation of America, LabCorp
Classification: Pathogenic for Polycystic kidney disease, adult type. Last evaluated: 2023-05-19. Review status: criteria provided, single submitter. Criteria: LabCorp Variant Classification Summary - May 2015. Collection method: clinical testing. Allele origin: germline.
Comment: Variant summary: PKD1 c.12334_12335insGG (p.Ala4112GlyfsX87) results in a premature termination codon, predicted to cause a truncation of the encoded protein or absence of the protein due to nonsense mediated decay, which are commonly known mechanisms for disease. Several variants downstream of this position have been associated with pathogenicity in ClinVar. The variant was absent in 244992 control chromosomes. To our knowledge, no occurrence of c.12334_12335insGG in individuals affected with Polycystic Kidney Disease 1 and no experimental evidence demonstrating its impact on protein function have been reported. No clinical diagnostic laboratories have submitted clinical-significance assessments for this variant to ClinVar after 2014. Based on the evidence outlined above, the variant was classified as pathogenic.